The following is an entry in ClinVar:

ClinVar aggregate classification (germline): Uncertain significance. Review status: criteria provided, multiple submitters, no conflicts (2 of 4 stars). 5 submissions from 5 submitters: Uncertain significance (5). Last evaluated 2025-03-09.

Conditions:
Cardiomyopathy (CMYO). Also called: Cardiomyopathies. Identifiers: Orphanet 167848, MedGen C0878544, MONDO:0004994, HP:0001638. Inheritance: Various modes of inheritance.
Arrhythmogenic right ventricular dysplasia 5. Also called: Arrhythmogenic Right Ventricular Dysplasia/Cardiomyopathy 5; ARRHYTHMOGENIC RIGHT VENTRICULAR DYSPLASIA, FAMILIAL, 5. Identifiers: MedGen C1858379, MONDO:0011459, OMIM 604400.
Auditory neuropathy, autosomal dominant 3 (AUNA3). Identifiers: MedGen C5676964, MONDO:0859235, OMIM 619832.
Emery-Dreifuss muscular dystrophy 7, autosomal dominant (EDMD7). Also called: Emery-Dreifuss muscular dystrophy 7, AD. Identifiers: Orphanet 261, MedGen C3553060, MONDO:0013677, OMIM 614302.
Cardiovascular phenotype. Identifiers: MedGen CN230736.

Allele frequency attached by ClinVar (database versions not stated): gnomAD exomes below 0.00001; TOPMed 0.00001.

Submissions (5):

Color Diagnostics, LLC DBA Color Health
Classification: Uncertain significance for Cardiomyopathy. Last evaluated: 2025-03-09. Review status: criteria provided, single submitter. Criteria: ACMG Guidelines, 2015. Collection method: clinical testing. Allele origin: germline.
Comment: This missense variant replaces glycine with valine at codon 67 of the TMEM43 protein. Computational prediction is inconclusive regarding the impact of this variant on protein structure and function (internally defined REVEL score threshold 0.5 < inconclusive < 0.7, PMID: 27666373). To our knowledge, functional studies have not been reported for this variant. This variant has not been reported in individuals affected with TMEM43-related disorders in the literature. This variant has not been identified in the general population by the Genome Aggregation Database (gnomAD). The available evidence is insufficient to determine the role of this variant in disease conclusively. Therefore, this variant is classified as a Variant of Uncertain Significance.

All of Us Research Program, National Institutes of Health
Classification: Uncertain significance for Arrhythmogenic right ventricular dysplasia 5. Last evaluated: 2023-10-06. Review status: criteria provided, single submitter. Criteria: ACMG Guidelines, 2015. Collection method: clinical testing. Allele origin: germline. Inheritance: Autosomal dominant inheritance. Observed: 2 variant alleles, 2 heterozygotes.
Comment: This missense variant replaces glycine with valine at codon 67 of the TMEM43 protein. Computational prediction is inconclusive regarding the impact of this variant on protein structure and function (internally defined REVEL score threshold 0.5 < inconclusive < 0.7, PMID: 27666373). To our knowledge, functional studies have not been reported for this variant. This variant has not been reported in individuals affected with TMEM43-related disorders in the literature. This variant has not been identified in the general population by the Genome Aggregation Database (gnomAD). The available evidence is insufficient to determine the role of this variant in disease conclusively. Therefore, this variant is classified as a Variant of Uncertain Significance.

This study involves interpretation of variants in research participants for the purpose of population health screening. Participant phenotype was not available at the time of variant classification. Additional details can be found in publication PMID: 35346344, PMCID: PMC8962531

Labcorp Genetics (formerly Invitae), Labcorp
Classification: Uncertain significance for Arrhythmogenic right ventricular dysplasia 5. Last evaluated: 2023-01-24. Review status: criteria provided, single submitter. Criteria: Invitae Variant Classification Sherloc (09022015). Collection method: clinical testing. Allele origin: germline.
Comment: In summary, the available evidence is currently insufficient to determine the role of this variant in disease. Therefore, it has been classified as a Variant of Uncertain Significance. Advanced modeling of protein sequence and biophysical properties (such as structural, functional, and spatial information, amino acid conservation, physicochemical variation, residue mobility, and thermodynamic stability) performed at Invitae indicates that this missense variant is not expected to disrupt TMEM43 protein function. ClinVar contains an entry for this variant (Variation ID: 1052946). This variant has not been reported in the literature in individuals affected with TMEM43-related conditions. This variant is not present in population databases (gnomAD no frequency). This sequence change replaces glycine, which is neutral and non-polar, with valine, which is neutral and non-polar, at codon 67 of the TMEM43 protein (p.Gly67Val).

Fulgent Genetics
Classification: Uncertain significance for Arrhythmogenic right ventricular dysplasia 5; Emery-Dreifuss muscular dystrophy 7, autosomal dominant; Auditory neuropathy, autosomal dominant 3. Last evaluated: 2021-08-11. Review status: criteria provided, single submitter. Criteria: ACMG Guidelines, 2015. Collection method: clinical testing. Allele origin: unknown.

Ambry Genetics
Classification: Uncertain significance for Cardiovascular phenotype. Last evaluated: 2021-06-10. Review status: criteria provided, single submitter. Criteria: Ambry Variant Classification Scheme 2023. Collection method: clinical testing. Allele origin: germline.
Comment: The p.G67V variant (also known as c.200G>T), located in coding exon 3 of the TMEM43 gene, results from a G to T substitution at nucleotide position 200. The glycine at codon 67 is replaced by valine, an amino acid with dissimilar properties. This amino acid position is highly conserved in available vertebrate species. In addition, this alteration is predicted to be deleterious by in silico analysis. Since supporting evidence is limited at this time, the clinical significance of this alteration remains unclear.

NM_024334.3(TMEM43):c.200G>T (p.Gly67Val)

Gene: TMEM43 (transmembrane protein 43; plus strand). Cytogenetic location: 3p25.1.
Variant type: single nucleotide variant.
Coding change: c.200G>T on transcript NM_024334.3 (MANE Select); coding-DNA position 200, G replaced by T.
Protein change: p.Gly67Val; replaces glycine 67 with valine.
Molecular consequence: missense variant.
Genome position (GRCh38, 1-based): chr3:14,130,859, G>T. VCF-style: chr3-14130859-G-T. GRCh37 (hg19) VCF-style: chr3-14172359-G-T.
Other names: short protein forms G67V.
Identifiers: ClinVar variation 1052946 (VCV001052946.14), dbSNP rs766792876, ClinGen allele CA69728987.